The following is an entry in ClinVar:

NM_000059.4(BRCA2):c.2212T>G (p.Cys738Gly)

Gene: BRCA2 (BRCA2 DNA repair associated; plus strand). Cytogenetic location: 13q13.1.
Variant type: single nucleotide variant.
Coding change: c.2212T>G on transcript NM_000059.4 (MANE Select); coding-DNA position 2212, T replaced by G.
Protein change: p.Cys738Gly; replaces cysteine 738 with glycine.
Molecular consequence: missense variant. On other transcripts: non-coding transcript variant (1), intron variant (2).
Genome position (GRCh38, 1-based): chr13:32,336,567, T>G. VCF-style: chr13-32336567-T-G. GRCh37 (hg19) VCF-style: chr13-32910704-T-G.
Other names: c.2212T>G, p.Cys738Gly (NM_001406719.1, NM_001406720.1); c.424+5537T>G (NM_001406722.1); c.1909+3180T>G (NM_001406721.1); short protein forms C738G.
Identifiers: ClinVar variation 2586300 (VCV002586300.2), dbSNP rs2137484294, ClinGen allele CA387770591.
Genomic context (GRCh38, chr13:32,336,567, plus strand): 5'-GAAAATGATCCAAAAAGCAAAAAAGTTTCAGATATAAAAGAAGAGGTCTTGGCTGCAGCA[T>G]GTCACCCAGTACAACATTCAAAAGTGGAATACAGTGATACTGACTTTCAATCCCAGAAAA-3'
Protein context (NP_000050.3, residues 728-748): DIKEEVLAAA[Cys738Gly]HPVQHSKVEY

ClinVar aggregate classification (germline): Uncertain significance (1 of 4 stars; one submission).

Conditions:
Hereditary cancer-predisposing syndrome. Also called: Hereditary neoplastic syndrome; Tumor predisposition; Hereditary Cancer Syndrome; Neoplastic Syndromes, Hereditary. Identifiers: Orphanet 140162, MedGen C0027672, MeSH D009386, MONDO:0015356.

Submission:

Ambry Genetics
Classification: Uncertain significance for Hereditary cancer-predisposing syndrome. Last evaluated: 2023-08-11. Review status: criteria provided, single submitter. Criteria: Ambry Variant Classification Scheme 2023. Collection method: clinical testing. Allele origin: germline.
Comment: The p.C738G variant (also known as c.2212T>G), located in coding exon 10 of the BRCA2 gene, results from a T to G substitution at nucleotide position 2212. The cysteine at codon 738 is replaced by glycine, an amino acid with highly dissimilar properties. This amino acid position is conserved. In addition, this alteration is predicted to be tolerated by in silico analysis. Since supporting evidence is limited at this time, the clinical significance of this alteration remains unclear.